The following is an entry in ClinVar:

NM_001042646.3(TRAK1):c.2262C>T (p.Tyr754=)

Gene: TRAK1 (trafficking kinesin protein 1; plus strand). Cytogenetic location: 3p22.1.
Variant type: single nucleotide variant.
Coding change: c.2262C>T on transcript NM_001042646.3 (MANE Select); coding-DNA position 2262, C replaced by T.
Protein change: p.Tyr754=; no amino-acid change (tyrosine 754 retained).
Molecular consequence: synonymous variant. On other transcripts: 3 prime UTR variant (1), non-coding transcript variant (1).
Genome position (GRCh38, 1-based): chr3:42,223,137, C>T. VCF-style: chr3-42223137-C-T. GRCh37 (hg19) VCF-style: chr3-42264629-C-T.
Other names: c.1887C>T, p.Tyr629= (NM_001349245.1); c.2199C>T, p.Tyr733= (NM_001349246.2); c.*216C>T (NM_001349247.2); c.1977C>T, p.Tyr659= (NM_001349248.1); c.2040C>T, p.Tyr680= (NM_001349249.1); c.2088C>T, p.Tyr696= (NM_001410741.1).
Identifiers: ClinVar variation 2197868 (VCV002197868.6), dbSNP rs199845964, ClinGen allele CA2333820.

ClinVar aggregate classification (germline): Likely benign. Review status: criteria provided, single submitter (1 of 4 stars). 2 submissions from 2 submitters: Likely benign (1). 1 of the submissions does not count toward it. Last evaluated 2022-09-23.

Conditions:
TRAK1-related disorder. Also called: TRAK1-related condition.

Allele frequency attached by ClinVar (database versions not stated): gnomAD exomes 0.00001; ExAC 0.00003; gnomAD 0.00005; TOPMed 0.00005; 1000 Genomes Project 30x 0.00016; 1000 Genomes Project 0.00020.
gnomAD v4.1: 30 of 1,613,962 alleles (0.0019%); highest among the groups gnomAD compares: African/African-American, 0.015%; no homozygotes.

Submissions (2):

Labcorp Genetics (formerly Invitae), Labcorp
Classification: Likely benign. Last evaluated: 2022-09-23. Review status: criteria provided, single submitter. Criteria: Invitae Variant Classification Sherloc (09022015). Collection method: clinical testing. Allele origin: germline.

PreventionGenetics, part of Exact Sciences
Classification: Likely benign for TRAK1-related condition. Last evaluated: 2019-06-17. Review status: no assertion criteria provided. Collection method: clinical testing. Allele origin: germline. Not counted in ClinVar's aggregate classification.
Comment: This variant is classified as likely benign based on ACMG/AMP sequence variant interpretation guidelines (Richards et al. 2015 PMID: 25741868, with internal and published modifications).